The following is an entry in ClinVar:

ClinVar aggregate classification (germline): Likely benign (1 of 4 stars; one submission).

Conditions:
Factor 5 and Factor VIII, combined deficiency of, 2. Identifiers: Orphanet 35909, MedGen C3150889, MONDO:0013331, OMIM 613625.

Allele frequency attached by ClinVar (database versions not stated): 1000 Genomes Project 0.00339; gnomAD exomes 0.00029; TOPMed 0.00505; 1000 Genomes Project 30x 0.00297; gnomAD 0.00428 and 0.00473.
gnomAD v4.1: 657 of 192,042 alleles (0.34%); highest among the groups gnomAD compares: African/African-American, 1.5%; 3 homozygotes.

Submission:

Illumina Laboratory Services, Illumina
Classification: Likely benign for Factor 5 and Factor VIII, combined deficiency of, 2. Last evaluated: 2018-01-13. Review status: criteria provided, single submitter. Criteria: ICSL Variant Classification Criteria 13 December 2019. Collection method: clinical testing. Allele origin: germline.
Comment: This variant was observed in the ICSL laboratory as part of a predisposition screen in an ostensibly healthy population. It had not been previously curated by ICSL or reported in the Human Gene Mutation Database (HGMD: prior to June 1st, 2018), and was therefore a candidate for classification through an automated scoring system. Utilizing variant allele frequency, disease prevalence and penetrance estimates, and inheritance mode, an automated score was calculated to assess if this variant is too frequent to cause the disease. Based on the score and internal cut-off values, a variant classified as likely benign is not then subjected to further curation. The score for this variant resulted in a classification of likely benign for this disease.

NM_139279.6(MCFD2):c.*569G>A

Genes: MCFD2 (multiple coagulation factor deficiency 2, ER cargo receptor complex subunit; minus strand), MCFD2-AS1 (MCFD2 antisense RNA 1; plus strand). Cytogenetic location: 2p21.
Variant type: single nucleotide variant.
Coding change: c.*569G>A on transcript NM_139279.6 (MANE Select); 569 bases downstream of the stop codon, G replaced by A.
Molecular consequence: 3 prime UTR variant.
Genome position (GRCh38, 1-based): chr2:46,904,894, C>T on the plus strand (G>A on the coding strand, the complement: MCFD2 is on the minus strand). VCF-style: chr2-46904894-C-T. GRCh37 (hg19) VCF-style: chr2-47132033-C-T.
Other names: c.*569G>A (NM_001171506.2, NM_001171507.2, NM_001171508.2 and 3 more transcripts).
Identifiers: ClinVar variation 336369 (VCV000336369.5), dbSNP rs149363149, ClinGen allele CA10614011.